The following is an entry in ClinVar:

NM_000414.4(HSD17B4):c.175G>A (p.Val59Ile)

Gene: HSD17B4 (hydroxysteroid 17-beta dehydrogenase 4; plus strand). Cytogenetic location: 5q23.1.
Variant type: single nucleotide variant.
Coding change: c.175G>A on transcript NM_000414.4 (MANE Select); coding-DNA position 175, G replaced by A.
Protein change: p.Val59Ile; replaces valine 59 with isoleucine.
Molecular consequence: missense variant. On other transcripts: 5 prime UTR variant (1).
Genome position (GRCh38, 1-based): chr5:119,473,970, G>A. VCF-style: chr5-119473970-G-A. GRCh37 (hg19) VCF-style: chr5-118809665-G-A.
Other names: c.250G>A, p.Val84Ile (NM_001199291.3); c.121G>A, p.Val41Ile (NM_001199292.2); c.103G>A, p.Val35Ile (NM_001292027.2); c.-237G>A (NM_001292028.2); c.175G>A (NM_000414.3); short protein forms V59I, V84I, V41I, V35I.
Identifiers: ClinVar variation 196269 (VCV000196269.7), dbSNP rs375339818, ClinGen allele CA243164.

ClinVar aggregate classification (germline): Uncertain significance. Review status: criteria provided, multiple submitters, no conflicts (2 of 4 stars). 3 submissions from 3 submitters: Uncertain significance (3). Last evaluated 2024-11-09.

Conditions:
Bifunctional peroxisomal enzyme deficiency (DBIF). Also called: DBP DEFICIENCY; PBFE DEFICIENCY; D-bifunctional protein deficiency. Identifiers: Orphanet 300, MedGen C0342870, MONDO:0009855, OMIM 261515. Disease mechanism: loss of function.
Perrault syndrome. Also called: Gonadal dysgenesis with auditory dysfunction, autosomal recessive inheritance. Identifiers: Orphanet 2855, MedGen C0685838, MONDO:0017312.
Inborn genetic diseases. Identifiers: MedGen C0950123, MeSH D030342.

Allele frequency attached by ClinVar (database versions not stated): gnomAD 0.00001; ESP Exome Variant Server 0.00008; gnomAD exomes 0.00001 and 0.00002; TOPMed below 0.00001; ExAC 0.00002.
gnomAD v4.1: 14 of 1,612,474 alleles (0.00087%); highest among the groups gnomAD compares: East Asian, 0.018%; no homozygotes.

Submissions (3):

Ambry Genetics
Classification: Uncertain significance for Inborn genetic diseases. Last evaluated: 2024-11-09. Review status: criteria provided, single submitter. Criteria: Ambry Variant Classification Scheme 2023. Collection method: clinical testing. Allele origin: germline.

Labcorp Genetics (formerly Invitae), Labcorp
Classification: Uncertain significance for Perrault syndrome; Bifunctional peroxisomal enzyme deficiency. Last evaluated: 2021-11-22. Review status: criteria provided, single submitter. Criteria: Invitae Variant Classification Sherloc (09022015). Collection method: clinical testing. Allele origin: germline.
Comment: This sequence change replaces valine, which is neutral and non-polar, with isoleucine, which is neutral and non-polar, at codon 59 of the HSD17B4 protein (p.Val59Ile). This variant is present in population databases (rs375339818, gnomAD 0.02%). This variant has not been reported in the literature in individuals affected with HSD17B4-related conditions. ClinVar contains an entry for this variant (Variation ID: 196269). Algorithms developed to predict the effect of missense changes on protein structure and function (SIFT, PolyPhen-2, Align-GVGD) all suggest that this variant is likely to be disruptive. Algorithms developed to predict the effect of sequence changes on RNA splicing suggest that this variant may create or strengthen a splice site. In summary, the available evidence is currently insufficient to determine the role of this variant in disease. Therefore, it has been classified as a Variant of Uncertain Significance.

Eurofins Ntd Llc (ga)
Classification: Uncertain significance. Last evaluated: 2015-04-15. Review status: criteria provided, single submitter. Criteria: EGL Classification Definitions 2015. Collection method: clinical testing. Allele origin: germline. Observed: 1 variant allele, 1 heterozygote.